The following is an entry in ClinVar:

NM_020831.6(MRTFA):c.1916G>A (p.Arg639His)

Gene: MRTFA (myocardin related transcription factor A; minus strand). Cytogenetic location: 22q13.1.
Variant type: single nucleotide variant.
Coding change: c.1916G>A on transcript NM_020831.6 (MANE Select); coding-DNA position 1916, G replaced by A.
Protein change: p.Arg639His; replaces arginine 639 with histidine.
Molecular consequence: missense variant.
Genome position (GRCh38, 1-based): chr22:40,418,822, C>T on the plus strand (G>A on the coding strand, the complement: MRTFA is on the minus strand). VCF-style: chr22-40418822-C-T. GRCh37 (hg19) VCF-style: chr22-40814826-C-T.
Other names: c.1616G>A, p.Arg539His (NM_001282660.2); c.1766G>A, p.Arg589His (NM_001282661.3); c.1916G>A, p.Arg639His (NM_001282662.3); c.1721G>A, p.Arg574His (NM_001318139.2); c.1616G>A (NM_020831.3); short protein forms R539H, R574H, R589H, R639H.
Identifiers: ClinVar variation 1683015 (VCV001683015.12), dbSNP rs370664004, ClinGen allele CA10249498.

ClinVar aggregate classification (germline): Uncertain significance. Review status: criteria provided, multiple submitters, no conflicts (2 of 4 stars). 4 submissions from 4 submitters: Uncertain significance (4). Last evaluated 2026-01-12.

Conditions:
Immunodeficiency 66. Identifiers: MedGen C5394265, MONDO:0030013, OMIM 618847.

Allele frequency attached by ClinVar (database versions not stated): ESP Exome Variant Server 0.00008.
gnomAD v4.1: 161 of 1,610,208 alleles (0.01%); highest among the groups gnomAD compares: Admixed American, 0.05%; no homozygotes.

Submissions (4):

Labcorp Genetics (formerly Invitae), Labcorp
Classification: Uncertain significance. Last evaluated: 2026-01-12. Review status: criteria provided, single submitter. Criteria: Invitae Variant Classification Sherloc (09022015). Collection method: clinical testing. Allele origin: germline.
Comment: This sequence change replaces arginine, which is basic and polar, with histidine, which is basic and polar, at codon 539 of the MKL1 protein (p.Arg539His). This variant is present in population databases (rs370664004, gnomAD 0.08%), and has an allele count higher than expected for a pathogenic variant. This variant has not been reported in the literature in individuals affected with MKL1-related conditions. ClinVar contains an entry for this variant (Variation ID: 1683015). An algorithm developed to predict the effect of missense changes on protein structure and function (PolyPhen-2) suggests that this variant is likely to be disruptive. In summary, the available evidence is currently insufficient to determine the role of this variant in disease. Therefore, it has been classified as a Variant of Uncertain Significance.

Ambry Genetics
Classification: Uncertain significance. Last evaluated: 2025-06-29. Review status: criteria provided, single submitter. Criteria: Ambry Variant Classification Scheme 2023. Collection method: clinical testing. Allele origin: germline.

Blueprint Genetics
Classification: Uncertain significance. Last evaluated: 2024-11-22. Review status: criteria provided, single submitter. Criteria: ACMG Guidelines, 2015. Collection method: clinical testing. Allele origin: germline.

Fulgent Genetics
Classification: Uncertain significance for Immunodeficiency 66. Last evaluated: 2022-03-28. Review status: criteria provided, single submitter. Criteria: ACMG Guidelines, 2015. Collection method: clinical testing. Allele origin: unknown.